The following is an entry in ClinVar:

ClinVar aggregate classification (germline): Pathogenic. Review status: criteria provided, multiple submitters, no conflicts (2 of 4 stars). 7 submissions from 7 submitters: Pathogenic (5). 2 of the submissions do not count toward it. Last evaluated 2026-01-22.

Conditions:
Familial focal epilepsy with variable foci (FPEVF). Identifiers: Orphanet 98820, MedGen C1858477, MONDO:0020310.
Inborn genetic diseases. Identifiers: MedGen C0950123, MeSH D030342.
Epilepsy, familial focal, with variable foci 1 (FFEVF1). Also called: DEPDC5-Related Epilepsy. Identifiers: MedGen C4551983, MONDO:0024556, OMIM 604364.

Allele frequency attached by ClinVar (database versions not stated): TOPMed below 0.00001; ExAC 0.00001; gnomAD 0.00001; gnomAD exomes below 0.00001.
gnomAD v4.1: 3 of 1,614,106 alleles (0.00019%); highest among the groups gnomAD compares: Non-Finnish European, 0.00025%; no homozygotes.

Submissions (7):

Variantyx, Inc.
Classification: Pathogenic for Epilepsy, familial focal, with variable foci 1. Last evaluated: 2026-01-22. Review status: criteria provided, single submitter. Criteria: Variantyx Assertion Criteria 2022. Collection method: clinical testing. Allele origin: germline. Inheritance: Autosomal dominant inheritance. Affected: yes.
Comment: This is a nonsense variant in the DEPDC5 gene (OMIM: 614191). Pathogenic variants in this gene have been associated with autosomal dominant familial focal epilepsy with variable foci 1. This variant introduces a premature termination codon in exon 2 out of 42 and is expected to result in loss of function, which is a known disease mechanism for DEPDC5 in this disorder (PMID: 23542697, 29761115) (PVS1). This variant has been reported in at least 6 unrelated affected individuals (PMID: 23542697, 24585383) (PS4_Moderate), and it has been observed to segregate with disease in at least 6 individuals from 2 families (PMID:23542697, 24585383). This variant has a 0.0003% maximum allele frequency in non-founder control populations (PM2). Based on the current evidence, this variant is classified as pathogenic for autosomal dominant familial focal epilepsy with variable foci 1.

Labcorp Genetics (formerly Invitae), Labcorp
Classification: Pathogenic for Familial focal epilepsy with variable foci. Last evaluated: 2025-05-07. Review status: criteria provided, single submitter. Criteria: Invitae Variant Classification Sherloc (09022015). Collection method: clinical testing. Allele origin: germline.
Comment: This sequence change creates a premature translational stop signal (p.Tyr7*) in the DEPDC5 gene. It is expected to result in an absent or disrupted protein product. Loss-of-function variants in DEPDC5 are known to be pathogenic (PMID: 23542697, 23542701). This variant is not present in population databases (gnomAD no frequency). This premature translational stop signal has been observed in individual(s) with autosomal dominant DEPDC5-related epilepsy (PMID: 23542697, 24585383). It has also been observed to segregate with disease in related individuals. ClinVar contains an entry for this variant (Variation ID: 50819). Algorithms developed to predict the effect of sequence changes on RNA splicing suggest that this variant may disrupt the consensus splice site. For these reasons, this variant has been classified as Pathogenic.

GeneDx
Classification: Pathogenic. Last evaluated: 2024-05-17. Review status: criteria provided, single submitter. Criteria: GeneDx Variant Classification Process June 2021. Collection method: clinical testing. Allele origin: germline. Affected: yes.
Comment: Observed in a family with autosomal dominant familial focal epilepsy with variable foci and found to co-segregate with the disease in multiple affected family members (PMID: 23542697); Nonsense variant predicted to result in protein truncation or nonsense mediated decay in a gene for which loss-of-function is a known mechanism of disease; Not observed at significant frequency in large population cohorts (gnomAD); This variant is associated with the following publications: (PMID: 34926809, 27029629, 23869883, 22780917, 24585383, 30093711, 27683934, 9851433, 30427063, 31440721, 23542697)

Fulgent Genetics
Classification: Pathogenic for Epilepsy, familial focal, with variable foci 1. Last evaluated: 2018-10-31. Review status: criteria provided, single submitter. Criteria: ACMG Guidelines, 2015. Collection method: clinical testing. Allele origin: unknown.

Ambry Genetics
Classification: Pathogenic for Inborn genetic diseases. Last evaluated: 2017-10-26. Review status: criteria provided, single submitter. Criteria: Ambry Variant Classification Scheme 2023. Collection method: clinical testing. Allele origin: germline.
Comment: The p.Y7* pathogenic mutation (also known as c.21C>G), located in coding exon 1 of the DEPDC5 gene, results from a C to G substitution at nucleotide position 21. This changes the amino acid from a tyrosine to a stop codon within coding exon 1. In one study, this mutation was detected in a family with 82% penetrant autosomal dominant familial focal epilepsy with variable foci (Dibbens LM et al. Nat. Genet., 2013 May;45:546-51). In addition to the clinical data presented in the literature, this alteration is expected to result in loss of function by premature protein truncation or nonsense-mediated mRNA decay. As such, this alteration is interpreted as a disease-causing mutation.

OMIM
Classification: Pathogenic for EPILEPSY, FAMILIAL FOCAL, WITH VARIABLE FOCI 1. Last evaluated: 2013-05-01. Review status: no assertion criteria provided. Collection method: literature only. Allele origin: germline. Not counted in ClinVar's aggregate classification.

GeneReviews
No classification provided. Condition: Epilepsy, familial focal, with variable foci 1. Review status: no classification provided. Collection method: literature only. Allele origin: germline. Affected: yes. Not counted in ClinVar's aggregate classification.

Literature cited by the submitters: PubMed 23542697 (cited by 4 submitters); PubMed 24585383 (cited by 4 submitters); PubMed 23542701 (cited by Labcorp Genetics (formerly Invitae), Labcorp); PubMed 23609619 (cited by Ambry Genetics); PubMed 23869883 (cited by Ambry Genetics); Scheffer, I. E., Phillips, H. A., O'Brien, C. E., Saling, M. M., Wrennall, J. A., Wallace, R. H., Mulley, J. C., Berkovic, S. F. Familial partial epilepsy with variable foci: a new partial epilepsy syndrome with suggestion of linkage to chromosome 2. Ann. Neurol. 44: 890-899, 1998. (cited by OMIM); Klein, K. M., O'Brien, T. J., Praveen, K., Heron, S. E., Mulley, J. C., Foote, S., Berkovic, S. F., Scheffer, I. E. Familial focal epilepsy with variable foci mapped to chromosome 22q12: expansion of the phenotypic spectrum. Epilepsia 53: e151-155, 2012. Note: Electronic Article. (cited by OMIM); Dibbens, L. M., de Vries, B., Donatello, S., Heron, S. E., Hodgson, B. L., Chintawar, S., Crompton, D. E., Hughes, J. N., Bellows, S. T., Klein, K. M., Callenbach, P. M. C., Corbett, M. A., and 23 others Mutations in DEPDC5 cause familial focal epilepsy with variable foci. Nature Genet. 45: 546-551, 2013. (cited by OMIM); NCBI Bookshelf NBK385626 (cited by GeneReviews).

NM_001242896.3(DEPDC5):c.21C>G (p.Tyr7Ter)

Gene: DEPDC5 (DEP domain containing 5, GATOR1 subcomplex subunit; plus strand). Cytogenetic location: 22q12.2.
Variant type: single nucleotide variant.
Coding change: c.21C>G on transcript NM_001242896.3 (MANE Select); coding-DNA position 21, C replaced by G.
Protein change: p.Tyr7Ter; replaces tyrosine 7 with a stop codon.
Molecular consequence: nonsense. On other transcripts: non-coding transcript variant (5).
Genome position (GRCh38, 1-based): chr22:31,754,942, C>G. VCF-style: chr22-31754942-C-G. GRCh37 (hg19) VCF-style: chr22-32150928-C-G.
Other names: c.21C>G, p.Tyr7Ter (NM_001007188.4, NM_001136029.4, NM_001242897.2 and 9 more transcripts); short protein forms Y7*.
Identifiers: ClinVar variation 50819 (VCV000050819.58), dbSNP rs768241563, ClinGen allele CA10195781.
Genomic context (GRCh38, chr22:31,754,942, plus strand): 5'-GCCCCAAGCTTGGAACAGCTAAAGGGAAAAACAGTGCAAGATGAGAACAACAAAGGTCTA[C>G]AAACTCGTCATCCACAAGAAGGGCTTTGGGGGCAGTGGTCAGTATCGATTGGTCTTTAGA-3'